The following is an entry in ClinVar:

ClinVar aggregate classification (germline): other (0 of 4 stars; one submission).

Conditions:
Familial colorectal cancer. Identifiers: MedGen CN280943, MONDO:0023113. Disease mechanism: loss of function.

Allele frequency attached by ClinVar (database versions not stated): 1000 Genomes Project 0.00579; 1000 Genomes Project 30x 0.00468; gnomAD 0.00024 and 0.00088; TOPMed 0.00033.
gnomAD v4.1: 134 of 152,238 alleles (0.088%); highest among the groups gnomAD compares: South Asian, 2%; 3 homozygotes.

Submission:

Systems Biology Platform Zhejiang California International NanoSystems Institute
Classification: other for Familial colorectal cancer. Review status: no assertion criteria provided. Collection method: not provided. Allele origin: unknown.
ClinVar note: Converted during submission from cancer to other.

NM_000038.6(APC):c.136-1527G>A

Gene: APC (APC regulator of WNT signaling pathway; plus strand). Cytogenetic location: 5q22.2.
Variant type: single nucleotide variant.
Coding change: c.136-1527G>A on transcript NM_000038.6 (MANE Select); 1527 bases into the intron before coding-DNA position 136, G replaced by A.
Molecular consequence: intron variant.
Genome position (GRCh38, 1-based): chr5:112,764,799, G>A. VCF-style: chr5-112764799-G-A. GRCh37 (hg19) VCF-style: chr5-112100496-G-A.
Other names: c.136-1527G>A (NM_001354895.2, NM_001127510.3, NM_001354896.2 and 2 more transcripts); c.166-1527G>A (NM_001354897.2, NM_001354902.2, NM_001127511.3); c.61-1527G>A (NM_001354898.2, NM_001354904.2); c.-900-1527G>A (NM_001354906.2); c.-42-1527G>A (NM_001354900.2, NM_001354901.2, NM_001354905.2).
Identifiers: ClinVar variation 82390 (VCV000082390.2), dbSNP rs76596358, ClinGen allele CA004487.
Genomic context (GRCh38, chr5:112,764,799, plus strand): 5'-ATAAGATTAAAAAAGGATTATTGAAGGACTAAAACAGTAGCAATGGATGGAAAGAGAATT[G>A]GAATCCTGGAAAAATCACAGGTAGTCTCCAATGAGAGTTCTTAAATGGAAGAGATGGTGC-3'